The following is an entry in ClinVar:

ClinVar aggregate classification (germline): Uncertain significance (1 of 4 stars; one submission).

Allele frequency attached by ClinVar (database versions not stated): gnomAD below 0.00001 and 0.00001.
gnomAD v4.1: 1 of 1,613,140 alleles (0.000062%); highest among the groups gnomAD compares: South Asian, 0.0011%; no homozygotes.

Submission:

Laboratory for Molecular Medicine, Mass General Brigham Personalized Medicine
Classification: Uncertain significance. Last evaluated: 2016-12-08. Review status: criteria provided, single submitter. Criteria: LMM Criteria. Collection method: clinical testing. Allele origin: germline. Observed: 1 variant allele.
Comment: The p.Ser5926Phe variant in GPR98 has not been previously reported in individual s with hearing loss or Usher syndrome, or in large population studies. Computat ional prediction tools and conservation analyses suggest that this variant may i mpact the protein, though this information is not predictive enough to determine pathogenicity. In summary, the clinical significance of the p.Ser5926Phe varian t is uncertain.

NM_032119.4(ADGRV1):c.17777C>T (p.Ser5926Phe)

Gene: ADGRV1 (adhesion G protein-coupled receptor V1; plus strand). Cytogenetic location: 5q14.3.
Variant type: single nucleotide variant.
Coding change: c.17777C>T on transcript NM_032119.4 (MANE Select); coding-DNA position 17777, C replaced by T.
Protein change: p.Ser5926Phe; replaces serine 5926 with phenylalanine.
Molecular consequence: missense variant. On other transcripts: non-coding transcript variant (1).
Genome position (GRCh38, 1-based): chr5:90,863,778, C>T. VCF-style: chr5-90863778-C-T. GRCh37 (hg19) VCF-style: chr5-90159595-C-T.
Other names: short protein forms S5926F.
Identifiers: ClinVar variation 517179 (VCV000517179.4), dbSNP rs1554139681, ClinGen allele CA360431154.